The following is an entry in ClinVar:

ClinVar aggregate classification (germline): Uncertain significance. Review status: criteria provided, multiple submitters, no conflicts (2 of 4 stars). 6 submissions from 3 submitters: Uncertain significance (6). Last evaluated 2023-04-27.

Conditions:
Hypokalemic periodic paralysis, type 1. Also called: HypoPP; Hypokalemic Periodic Paralysis Type 1 (AD). Identifiers: Orphanet 681, MedGen C3714580, MONDO:0042979, OMIM 170400.
Congenital myopathy 18. Also called: DIHYDROPYRIDINE RECEPTOR CONGENITAL MYOPATHY; DHPR CONGENITAL MYOPATHY; Myopathy, congenital, due to dihydropyridine receptor defect. Identifiers: MedGen C5830283, MONDO:0859514, OMIM 620246.
Malignant hyperthermia, susceptibility to, 5 (MHS5). Also called: CACNA1S-Related Malignant Hyperthermia Susceptibility. Identifiers: Orphanet 423, MedGen C1866077, MONDO:0011163, OMIM 601887.
Thyrotoxic periodic paralysis, susceptibility to, 1 (TTPP1). Identifiers: Orphanet 79102, MedGen C2749982, MONDO:0008570, OMIM 188580.

Submissions (6):

GeneDx
Classification: Uncertain significance. Last evaluated: 2023-04-27. Review status: criteria provided, single submitter. Criteria: GeneDx Variant Classification Process June 2021. Collection method: clinical testing. Allele origin: germline. Affected: yes.
Comment: Not observed at significant frequency in large population cohorts (gnomAD); In silico analysis supports that this missense variant does not alter protein structure/function; Has not been previously published as pathogenic or benign to our knowledge

Genome-Nilou Lab
Classification: Uncertain significance for Malignant hyperthermia, susceptibility to, 5. Last evaluated: 2023-04-11. Review status: criteria provided, single submitter. Criteria: ACMG Guidelines, 2015. Collection method: clinical testing. Allele origin: germline. Affected: no.

Genome-Nilou Lab
Classification: Uncertain significance for Thyrotoxic periodic paralysis, susceptibility to, 1. Last evaluated: 2023-04-11. Review status: criteria provided, single submitter. Criteria: ACMG Guidelines, 2015. Collection method: clinical testing. Allele origin: germline. Affected: no.

Genome-Nilou Lab
Classification: Uncertain significance for Congenital myopathy 18. Last evaluated: 2023-04-11. Review status: criteria provided, single submitter. Criteria: ACMG Guidelines, 2015. Collection method: clinical testing. Allele origin: germline. Affected: no.

Genome-Nilou Lab
Classification: Uncertain significance for Hypokalemic periodic paralysis, type 1. Last evaluated: 2023-04-11. Review status: criteria provided, single submitter. Criteria: ACMG Guidelines, 2015. Collection method: clinical testing. Allele origin: germline. Affected: no.

Labcorp Genetics (formerly Invitae), Labcorp
Classification: Uncertain significance for Hypokalemic periodic paralysis, type 1; Malignant hyperthermia, susceptibility to, 5. Last evaluated: 2019-10-19. Review status: criteria provided, single submitter. Criteria: Invitae Variant Classification Sherloc (09022015). Collection method: clinical testing. Allele origin: germline.
Comment: This sequence change replaces arginine with glycine at codon 1709 of the CACNA1S protein (p.Arg1709Gly). The arginine residue is weakly conserved and there is a moderate physicochemical difference between arginine and glycine. This variant is not present in population databases (ExAC no frequency). In summary, the available evidence is currently insufficient to determine the role of this variant in disease. Therefore, it has been classified as a Variant of Uncertain Significance. Algorithms developed to predict the effect of missense changes on protein structure and function output the following: SIFT: "Tolerated"; PolyPhen-2: "Benign"; Align-GVGD: "Class C0". The glycine amino acid residue is found in multiple mammalian species, suggesting that this missense change does not adversely affect protein function. These predictions have not been confirmed by published functional studies and their clinical significance is uncertain. This variant has not been reported in the literature in individuals with CACNA1S-related conditions.

NM_000069.3(CACNA1S):c.5125A>G (p.Arg1709Gly)

Gene: CACNA1S (calcium voltage-gated channel subunit alpha1 S; minus strand). Cytogenetic location: 1q32.1.
Variant type: single nucleotide variant.
Coding change: c.5125A>G on transcript NM_000069.3 (MANE Select); coding-DNA position 5125, A replaced by G.
Protein change: p.Arg1709Gly; replaces arginine 1709 with glycine.
Molecular consequence: missense variant.
Genome position (GRCh38, 1-based): chr1:201,041,513, T>C on the plus strand (A>G on the coding strand, the complement: CACNA1S is on the minus strand). VCF-style: chr1-201041513-T-C. GRCh37 (hg19) VCF-style: chr1-201010641-T-C.
Other names: short protein forms R1709G.
Identifiers: ClinVar variation 947467 (VCV000947467.12), dbSNP rs1660201407, ClinGen allele CA344132804.